The following is an entry in ClinVar:

ClinVar aggregate classification (germline): Uncertain significance (1 of 4 stars; one submission).

Conditions:
Inborn genetic diseases. Identifiers: MedGen C0950123, MeSH D030342.

gnomAD v4.1: 3 of 1,613,372 alleles (0.00019%); highest among the groups gnomAD compares: Non-Finnish European, 0.00017%; no homozygotes.

Submission:

Ambry Genetics
Classification: Uncertain significance for Inborn genetic diseases. Last evaluated: 2024-04-22. Review status: criteria provided, single submitter. Criteria: Ambry Variant Classification Scheme 2023. Collection method: clinical testing. Allele origin: germline.
Comment: The p.N762T variant (also known as c.2285A>C), located in coding exon 14 of the EPAS1 gene, results from an A to C substitution at nucleotide position 2285. The asparagine at codon 762 is replaced by threonine, an amino acid with similar properties. This amino acid position is conserved. In addition, this alteration is predicted to be tolerated by in silico analysis. Since supporting evidence is limited at this time, the clinical significance of this alteration remains unclear.

NM_001430.5(EPAS1):c.2285A>C (p.Asn762Thr)

Gene: EPAS1 (endothelial PAS domain protein 1; plus strand). Cytogenetic location: 2p21.
Variant type: single nucleotide variant.
Coding change: c.2285A>C on transcript NM_001430.5 (MANE Select); coding-DNA position 2285, A replaced by C.
Protein change: p.Asn762Thr; replaces asparagine 762 with threonine.
Molecular consequence: missense variant.
Genome position (GRCh38, 1-based): chr2:46,382,087, A>C. VCF-style: chr2-46382087-A-C. GRCh37 (hg19) VCF-style: chr2-46609226-A-C.
Other names: short protein forms N762T.
Identifiers: ClinVar variation 1788996 (VCV001788996.3), dbSNP rs372745004, ClinGen allele CA346705924.
Genomic context (GRCh38, chr2:46,382,087, plus strand): 5'-ACCTCAGGGGTGGGAGCTGCCCTTTGATGCCGGACAAGCCACTGAGCGCAAATGTACCCA[A>C]TGGTGAGCAGCGGCCACAGGCCTGGGCCTCCTGGGGGTTCTGGTGGAAGGACTGGGGCTC-3'
Protein context (NP_001421.2, residues 752-772): PDKPLSANVP[Asn762Thr]DKFTQNPMRG